The following is an entry in ClinVar:

ClinVar aggregate classification (germline): Uncertain significance (1 of 4 stars; one submission).

Conditions:
Inborn genetic diseases. Identifiers: MedGen C0950123, MeSH D030342.

Allele frequency attached by ClinVar (database versions not stated): gnomAD exomes below 0.00001; TOPMed below 0.00001.
gnomAD v4.1: 1 of 1,612,330 alleles (0.000062%); highest among the groups gnomAD compares: South Asian, 0.0011%; no homozygotes.

Submission:

Ambry Genetics
Classification: Uncertain significance for Inborn genetic diseases. Last evaluated: 2020-06-25. Review status: criteria provided, single submitter. Criteria: Ambry Variant Classification Scheme 2023. Collection method: clinical testing. Allele origin: germline.
Comment: The c.5231+3G>A intronic variant results from a G to A substitution 3 nucleotides after coding exon 37 in the SBF2 gene. This nucleotide position is not well conserved in available vertebrate species. Using the BDGP and ESEfinder splice site prediction tools, this alteration is not predicted to have any significant effect on this splice acceptor/donor site; however, direct evidence is unavailable. Since supporting evidence is limited at this time, the clinical significance of this alteration remains unclear.

NM_030962.4(SBF2):c.5231+3G>A

Genes: SBF2 (SET binding factor 2; minus strand), SBF2-AS1 (SBF2 antisense RNA 1; plus strand), LOC105369149 (uncharacterized LOC105369149; plus strand). Cytogenetic location: 11p15.4.
Variant type: single nucleotide variant.
Coding change: c.5231+3G>A on transcript NM_030962.4 (MANE Select); 3 bases into the intron after coding-DNA position 5231, G replaced by A.
Molecular consequence: intron variant.
Genome position (GRCh38, 1-based): chr11:9,785,122, C>T on the plus strand (G>A on the coding strand, the complement: SBF2 is on the minus strand). VCF-style: chr11-9785122-C-T. GRCh37 (hg19) VCF-style: chr11-9806669-C-T.
Other names: c.5102+3G>A (NM_001386342.1); c.5327+3G>A (NM_001386339.1).
Identifiers: ClinVar variation 1746237 (VCV001746237.2), dbSNP rs1852285348, ClinGen allele CA1951772125.